The following is an entry in ClinVar:

ClinVar aggregate classification (germline): Uncertain significance (1 of 4 stars; one submission).

gnomAD v4.1: 5 of 1,606,802 alleles (0.00031%); highest among the groups gnomAD compares: East Asian, 0.011%; no homozygotes.

Submission:

Women's Health and Genetics/Laboratory Corporation of America, LabCorp
Classification: Uncertain significance. Last evaluated: 2026-01-05. Review status: criteria provided, single submitter. Criteria: LabCorp Variant Classification Summary - May 2015. Collection method: clinical testing. Allele origin: germline.
Comment: Variant summary: SETD2 c.4520A>G (p.Asp1507Gly) results in a non-conservative amino acid change in the encoded protein sequence. Algorithms developed to predict the effect of missense changes on protein structure and function are either unavailable or do not agree on the potential impact of this missense change. The variant allele was found at a frequency of 1.6e-05 in 251132 control chromosomes. The available data on variant occurrences in the general population are insufficient to allow any conclusion about variant significance. To our knowledge, no occurrence of c.4520A>G in individuals affected with SETD2-related conditions and no experimental evidence demonstrating its impact on protein function have been reported. No submitters have cited clinical-significance assessments for this variant to ClinVar. Based on the evidence outlined above, the variant was classified as uncertain significance.

NM_014159.7(SETD2):c.4520A>G (p.Asp1507Gly)

Gene: SETD2 (SET domain containing 2, histone lysine methyltransferase; minus strand). Cytogenetic location: 3p21.31.
Variant type: single nucleotide variant.
Coding change: c.4520A>G on transcript NM_014159.7 (MANE Select); coding-DNA position 4520, A replaced by G.
Protein change: p.Asp1507Gly; replaces aspartic acid 1507 with glycine.
Molecular consequence: missense variant. On other transcripts: non-coding transcript variant (1).
Genome position (GRCh38, 1-based): chr3:47,116,689, T>C on the plus strand (A>G on the coding strand, the complement: SETD2 is on the minus strand). VCF-style: chr3-47116689-T-C. GRCh37 (hg19) VCF-style: chr3-47158179-T-C.
Other names: c.4388A>G, p.Asp1463Gly (NM_001349370.3); short protein forms D1463G, D1507G.
Identifiers: ClinVar variation 4689643 (VCV004689643.1).